The following is an entry in ClinVar:

NM_000354.6(SERPINA7):c.1045-8C>T

Gene: SERPINA7 (serpin family A member 7; minus strand). Cytogenetic location: Xq22.3.
Variant type: single nucleotide variant.
Coding change: c.1045-8C>T on transcript NM_000354.6 (MANE Select); 8 bases into the intron before coding-DNA position 1045, C replaced by T.
Molecular consequence: intron variant.
Genome position (GRCh38, 1-based): chrX:106,033,711, G>A on the plus strand (C>T on the coding strand, the complement: SERPINA7 is on the minus strand). VCF-style: chrX-106033711-G-A. GRCh37 (hg19) VCF-style: chrX-105277702-G-A.
Identifiers: ClinVar variation 3043067 (VCV003043067.2), dbSNP rs763283543, ClinGen allele CA10481658.

ClinVar aggregate classification (germline): Likely benign (0 of 4 stars; one submission).

Conditions:
SERPINA7-related disorder. Also called: SERPINA7-related condition.

Allele frequency attached by ClinVar (database versions not stated): TOPMed 0.00002; gnomAD 0.00003; ExAC 0.00005.
gnomAD v4.1: 23 of 1,209,128 alleles (0.0019%); highest among the groups gnomAD compares: Admixed American, 0.0088%; no homozygotes.

Submission:

PreventionGenetics, part of Exact Sciences
Classification: Likely benign for SERPINA7-related condition. Last evaluated: 2019-07-03. Review status: no assertion criteria provided. Collection method: clinical testing. Allele origin: germline.
Comment: This variant is classified as likely benign based on ACMG/AMP sequence variant interpretation guidelines (Richards et al. 2015 PMID: 25741868, with internal and published modifications).